The following is an entry in ClinVar:

NM_170754.4(TNS2):c.275C>T (p.Ala92Val)

Genes: TNS2 (tensin 2; plus strand), TNS2-AS1 (TNS2 antisense RNA 1; minus strand). Cytogenetic location: 12q13.13.
Variant type: single nucleotide variant.
Coding change: c.275C>T on transcript NM_170754.4 (MANE Select); coding-DNA position 275, C replaced by T.
Protein change: p.Ala92Val; replaces alanine 92 with valine.
Molecular consequence: missense variant. On other transcripts: 5 prime UTR variant (1).
Genome position (GRCh38, 1-based): chr12:53,053,787, C>T. VCF-style: chr12-53053787-C-T. GRCh37 (hg19) VCF-style: chr12-53447571-C-T.
Other names: c.275C>T, p.Ala92Val (NM_001416202.1, NM_001416204.1); c.206C>T, p.Ala69Val (NM_001416203.1, NM_015319.3); c.-98C>T (NM_198316.2); short protein forms A92V, A102V, A69V.
Identifiers: ClinVar variation 2195154 (VCV002195154.6), dbSNP rs143157473, ClinGen allele CA6591871.
Genomic context (GRCh38, chr12:53,053,787, plus strand): 5'-CCCTGCTGTAACTAACCACTCCCTTTTCCTCCCCCATCTCCCTCTAGCGGCGAAACACGG[C>T]CCCAGTCAGGCGCATAGAGCACCTGGTAAGGTGATGCTGGAGCAGGAGGGGGAAGCAGGT-3'
Protein context (NP_736610.2, residues 82-102): LPPVELRRNT[Ala92Val]PVRRIEHLGS

ClinVar aggregate classification (germline): Uncertain significance. Review status: criteria provided, single submitter (1 of 4 stars). 2 submissions from 2 submitters: Uncertain significance (1). 1 of the submissions does not count toward it. Last evaluated 2025-09-21.

Conditions:
TNS2-related disorder. Also called: TNS2-related condition.

Allele frequency attached by ClinVar (database versions not stated): gnomAD exomes 0.00008; ExAC 0.00016; ESP Exome Variant Server 0.00038; 1000 Genomes Project 0.00040; gnomAD 0.00042; TOPMed 0.00060; 1000 Genomes Project 30x 0.00094.
gnomAD v4.1: 189 of 1,611,830 alleles (0.012%); highest among the groups gnomAD compares: African/African-American, 0.17%; no homozygotes.

Submissions (2):

Labcorp Genetics (formerly Invitae), Labcorp
Classification: Uncertain significance. Last evaluated: 2025-09-21. Review status: criteria provided, single submitter. Criteria: Invitae Variant Classification Sherloc (09022015). Collection method: clinical testing. Allele origin: germline.
Comment: This sequence change replaces alanine, which is neutral and non-polar, with valine, which is neutral and non-polar, at codon 102 of the TNS2 protein (p.Ala102Val). This variant is present in population databases (rs143157473, gnomAD 0.2%), and has an allele count higher than expected for a pathogenic variant. This variant has not been reported in the literature in individuals affected with TNS2-related conditions. ClinVar contains an entry for this variant (Variation ID: 2195154). An algorithm developed to predict the effect of missense changes on protein structure and function (PolyPhen-2) suggests that this variant is likely to be disruptive. In summary, the available evidence is currently insufficient to determine the role of this variant in disease. Therefore, it has been classified as a Variant of Uncertain Significance.

PreventionGenetics, part of Exact Sciences
Classification: Likely benign for TNS2-related condition. Last evaluated: 2022-05-31. Review status: no assertion criteria provided. Collection method: clinical testing. Allele origin: germline. Not counted in ClinVar's aggregate classification.
Comment: This variant is classified as likely benign based on ACMG/AMP sequence variant interpretation guidelines (Richards et al. 2015 PMID: 25741868, with internal and published modifications).